The following is an entry in ClinVar:

ClinVar aggregate classification (germline): Uncertain significance. Review status: criteria provided, multiple submitters, no conflicts (2 of 4 stars). 3 submissions from 3 submitters: Uncertain significance (2). 1 of the submissions does not count toward it. Last evaluated 2025-03-01.

Conditions:
Inborn genetic diseases. Identifiers: MedGen C0950123, MeSH D030342.
Nemaline myopathy 2 (NEM2). Also called: Nemaline myopathy 2, autosomal recessive. Identifiers: MedGen C1850569, MONDO:0009725, OMIM 256030.

Allele frequency attached by ClinVar (database versions not stated): gnomAD exomes below 0.00001 and 0.00003; gnomAD 0.00001; TOPMed 0.00001; ExAC 0.00005.
gnomAD v4.1: 11 of 1,613,816 alleles (0.00068%); highest among the groups gnomAD compares: East Asian, 0.013%; no homozygotes.

Submissions (3):

Ambry Genetics
Classification: Uncertain significance for Inborn genetic diseases. Last evaluated: 2025-03-01. Review status: criteria provided, single submitter. Criteria: Ambry Variant Classification Scheme 2023. Collection method: clinical testing. Allele origin: germline.

Labcorp Genetics (formerly Invitae), Labcorp
Classification: Uncertain significance for Nemaline myopathy 2. Last evaluated: 2024-06-05. Review status: criteria provided, single submitter. Criteria: Invitae Variant Classification Sherloc (09022015). Collection method: clinical testing. Allele origin: germline.
Comment: This sequence change replaces glutamic acid, which is acidic and polar, with glutamine, which is neutral and polar, at codon 3845 of the NEB protein (p.Glu3845Gln). This variant is present in population databases (rs755390933, gnomAD 0.04%). This variant has not been reported in the literature in individuals affected with NEB-related conditions. ClinVar contains an entry for this variant (Variation ID: 966512). Experimental studies and prediction algorithms are not available or were not evaluated, and the functional significance of this variant is currently unknown. In summary, the available evidence is currently insufficient to determine the role of this variant in disease. Therefore, it has been classified as a Variant of Uncertain Significance.

Natera, Inc.
Classification: Uncertain significance for Nemaline myopathy type 2. Last evaluated: 2020-02-26. Review status: no assertion criteria provided. Collection method: clinical testing. Allele origin: germline. Not counted in ClinVar's aggregate classification.

NM_001164508.2(NEB):c.11533G>C (p.Glu3845Gln)

Gene: NEB (nebulin; minus strand). Cytogenetic location: 2q23.3.
Variant type: single nucleotide variant.
Coding change: c.11533G>C on transcript NM_001164508.2 (MANE Select); coding-DNA position 11533, G replaced by C.
Protein change: p.Glu3845Gln; replaces glutamic acid 3845 with glutamine.
Molecular consequence: missense variant.
Genome position (GRCh38, 1-based): chr2:151,614,344, C>G on the plus strand (G>C on the coding strand, the complement: NEB is on the minus strand). VCF-style: chr2-151614344-C-G. GRCh37 (hg19) VCF-style: chr2-152470858-C-G.
Other names: c.11533G>C, p.Glu3845Gln (NM_001164507.2, NM_001271208.2); c.10804G>C, p.Glu3602Gln (NM_004543.5); c.10804G>C (NM_004543.4); short protein forms E3602Q, E3845Q.
Identifiers: ClinVar variation 966512 (VCV000966512.9), dbSNP rs755390933, ClinGen allele CA1908742.
Genomic context (GRCh38, chr2:151,614,344, plus strand): 5'-GCAGGTCATAGGCCTTCCGAGCCTGAATGACGTCATTCTGATCAGGCAGGCAGGTCCATT[C>G]ATGCAGGGGATGCTTGTAGTCTATGTCGCTTACAAGGATCTGACACTTCTTGGCCAGCAC-3'
Protein context (NP_001157980.2, residues 3835-3855): SDIDYKHPLH[Glu3845Gln]WTCLPDQNDV